The following is an entry in ClinVar:

ClinVar aggregate classification (germline): Conflicting classifications of pathogenicity. Review status: criteria provided, conflicting classifications (1 of 4 stars). 3 submissions from 3 submitters: Uncertain significance (2); Likely benign (1). Last evaluated 2025-11-01.

Conditions:
Inborn genetic diseases. Identifiers: MedGen C0950123, MeSH D030342.
Pyogenic arthritis-pyoderma gangrenosum-acne syndrome (PAPA). Also called: FAMILIAL RECURRENT ARTHRITIS; PAPA SYNDROME. Identifiers: Orphanet 69126, MedGen C1858361, MONDO:0011462, OMIM 604416.

Allele frequency attached by ClinVar (database versions not stated): gnomAD exomes 0.00002; gnomAD 0.00003 and 0.00004; TOPMed 0.00003; ExAC 0.00006.
gnomAD v4.1: 48 of 1,608,278 alleles (0.003%); highest among the groups gnomAD compares: East Asian, 0.0045%; no homozygotes.

Submissions (3):

CeGaT Center for Human Genetics Tuebingen
Classification: Likely benign. Last evaluated: 2025-11-01. Review status: criteria provided, single submitter. Criteria: CeGaT Center For Human Genetics Tuebingen Variant Classification Criteria Version 2. Collection method: clinical testing. Allele origin: germline. Affected: yes. Observed: 2 variant alleles.
Comment: PSTPIP1: BP4

Labcorp Genetics (formerly Invitae), Labcorp
Classification: Uncertain significance for Pyogenic arthritis-pyoderma gangrenosum-acne syndrome. Last evaluated: 2025-10-01. Review status: criteria provided, single submitter. Criteria: Invitae Variant Classification Sherloc (09022015). Collection method: clinical testing. Allele origin: germline.
Comment: This sequence change replaces arginine, which is basic and polar, with tryptophan, which is neutral and slightly polar, at codon 365 of the PSTPIP1 protein (p.Arg365Trp). This variant is present in population databases (rs748306987, gnomAD 0.006%). This variant has not been reported in the literature in individuals affected with PSTPIP1-related conditions. ClinVar contains an entry for this variant (Variation ID: 969121). Invitae Evidence Modeling of protein sequence and biophysical properties (such as structural, functional, and spatial information, amino acid conservation, physicochemical variation, residue mobility, and thermodynamic stability) indicates that this missense variant is expected to disrupt PSTPIP1 protein function with a positive predictive value of 80%. In summary, the available evidence is currently insufficient to determine the role of this variant in disease. Therefore, it has been classified as a Variant of Uncertain Significance.

Ambry Genetics
Classification: Uncertain significance for Inborn genetic diseases. Last evaluated: 2025-05-19. Review status: criteria provided, single submitter. Criteria: Ambry Variant Classification Scheme 2023. Collection method: clinical testing. Allele origin: germline.

NM_003978.5(PSTPIP1):c.1093C>T (p.Arg365Trp)

Gene: PSTPIP1 (proline-serine-threonine phosphatase interacting protein 1; plus strand). Cytogenetic location: 15q24.3.
Variant type: single nucleotide variant.
Coding change: c.1093C>T on transcript NM_003978.5 (MANE Select); coding-DNA position 1093, C replaced by T.
Protein change: p.Arg365Trp; replaces arginine 365 with tryptophan.
Molecular consequence: missense variant. On other transcripts: non-coding transcript variant (1).
Genome position (GRCh38, 1-based): chr15:77,035,909, C>T. VCF-style: chr15-77035909-C-T. GRCh37 (hg19) VCF-style: chr15-77328250-C-T.
Other names: c.1036C>T, p.Arg346Trp (NM_001321135.2); c.1066C>T, p.Arg356Trp (NM_001321136.2); c.1288C>T, p.Arg430Trp (NM_001321137.1); short protein forms R346W, R356W, R365W, R430W.
Identifiers: ClinVar variation 969121 (VCV000969121.32), dbSNP rs748306987, ClinGen allele CA7676158.
Genomic context (GRCh38, chr15:77,035,909, plus strand): 5'-TACACAGCCATCGCAGTGCAGGAGATACAGGGAAACCCGGCCTCACCAGCCCAGGAGTAC[C>T]GGGCGCTCTACGATTATACAGCGCAGGTGAGGCCTCTATACCCCAAACCCACCTGTGCCA-3'
Protein context (NP_003969.2, residues 355-375): GNPASPAQEY[Arg365Trp]ALYDYTAQNP